The following is an entry in ClinVar:

ClinVar aggregate classification (germline): Uncertain significance (1 of 4 stars; one submission).

Conditions:
Amyotrophic lateral sclerosis type 15. Also called: AMYOTROPHIC LATERAL SCLEROSIS 15 WITH FRONTOTEMPORAL DEMENTIA. Identifiers: Orphanet 803, MedGen C3275459, MONDO:0010459, OMIM 300857.

Submission:

Labcorp Genetics (formerly Invitae), Labcorp
Classification: Uncertain significance for Amyotrophic lateral sclerosis type 15. Last evaluated: 2024-02-17. Review status: criteria provided, single submitter. Criteria: Invitae Variant Classification Sherloc (09022015). Collection method: clinical testing. Allele origin: germline.
Comment: This sequence change replaces glycine, which is neutral and non-polar, with arginine, which is basic and polar, at codon 302 of the UBQLN2 protein (p.Gly302Arg). This variant is not present in population databases (gnomAD no frequency). This variant has not been reported in the literature in individuals affected with UBQLN2-related conditions. An algorithm developed to predict the effect of missense changes on protein structure and function (PolyPhen-2) suggests that this variant is likely to be disruptive. In summary, the available evidence is currently insufficient to determine the role of this variant in disease. Therefore, it has been classified as a Variant of Uncertain Significance.

NM_013444.4(UBQLN2):c.904G>C (p.Gly302Arg)

Gene: UBQLN2 (ubiquilin 2; plus strand). Cytogenetic location: Xp11.21.
Variant type: single nucleotide variant.
Coding change: c.904G>C on transcript NM_013444.4 (MANE Select); coding-DNA position 904, G replaced by C.
Protein change: p.Gly302Arg; replaces glycine 302 with arginine.
Molecular consequence: missense variant.
Genome position (GRCh38, 1-based): chrX:56,564,777, G>C. VCF-style: chrX-56564777-G-C. GRCh37 (hg19) VCF-style: chrX-56591210-G-C.
Other names: short protein forms G302R.
Identifiers: ClinVar variation 3696270 (VCV003696270.2).